The following is an entry in ClinVar:

NM_001039958.2(MESP2):c.517G>T (p.Ala173Ser)

Gene: MESP2 (mesoderm posterior bHLH transcription factor 2; plus strand). Cytogenetic location: 15q26.1.
Variant type: single nucleotide variant.
Coding change: c.517G>T on transcript NM_001039958.2 (MANE Select); coding-DNA position 517, G replaced by T.
Protein change: p.Ala173Ser; replaces alanine 173 with serine.
Molecular consequence: missense variant.
Genome position (GRCh38, 1-based): chr15:89,776,874, G>T. VCF-style: chr15-89776874-G-T. GRCh37 (hg19) VCF-style: chr15-90320105-G-T.
Other names: short protein forms A173S.
Identifiers: ClinVar variation 1510819 (VCV001510819.3), dbSNP rs374604155, ClinGen allele CA7730435.

ClinVar aggregate classification (germline): Uncertain significance (1 of 4 stars; one submission).

Allele frequency attached by ClinVar (database versions not stated): 1000 Genomes Project 30x 0.00016.
gnomAD v4.1: 17 of 1,459,250 alleles (0.0012%); highest among the groups gnomAD compares: Middle Eastern, 0.067%; no homozygotes.

Submission:

Labcorp Genetics (formerly Invitae), Labcorp
Classification: Uncertain significance. Last evaluated: 2022-06-13. Review status: criteria provided, single submitter. Criteria: Invitae Variant Classification Sherloc (09022015). Collection method: clinical testing. Allele origin: germline.
Comment: This sequence change replaces alanine, which is neutral and non-polar, with serine, which is neutral and polar, at codon 173 of the MESP2 protein (p.Ala173Ser). The frequency data for this variant in the population databases is considered unreliable, as metrics indicate poor data quality at this position in the gnomAD database. This variant has not been reported in the literature in individuals affected with MESP2-related conditions. Algorithms developed to predict the effect of missense changes on protein structure and function (SIFT, PolyPhen-2, Align-GVGD) all suggest that this variant is likely to be tolerated. In summary, the available evidence is currently insufficient to determine the role of this variant in disease. Therefore, it has been classified as a Variant of Uncertain Significance.